The following is an entry in ClinVar:

ClinVar aggregate classification (germline): Uncertain significance (1 of 4 stars; one submission).

Conditions:
Inborn genetic diseases. Identifiers: MedGen C0950123, MeSH D030342.

Submission:

Ambry Genetics
Classification: Uncertain significance for Inborn genetic diseases. Last evaluated: 2025-05-27. Review status: criteria provided, single submitter. Criteria: Ambry Variant Classification Scheme 2023. Collection method: clinical testing. Allele origin: germline.
Comment: The p.G240A variant (also known as c.719G>C), located in coding exon 1 of the SAMD9L gene, results from a G to C substitution at nucleotide position 719. The glycine at codon 240 is replaced by alanine, an amino acid with similar properties. This amino acid position is conserved. In addition, the in silico prediction for this alteration is inconclusive. Based on the available evidence, the clinical significance of this variant remains unclear.

NM_152703.5(SAMD9L):c.719G>C (p.Gly240Ala)

Gene: SAMD9L (sterile alpha motif domain containing 9 like; minus strand). Cytogenetic location: 7q21.2.
Variant type: single nucleotide variant.
Coding change: c.719G>C on transcript NM_152703.5 (MANE Select); coding-DNA position 719, G replaced by C.
Protein change: p.Gly240Ala; replaces glycine 240 with alanine.
Molecular consequence: missense variant.
Genome position (GRCh38, 1-based): chr7:93,135,253, C>G on the plus strand (G>C on the coding strand, the complement: SAMD9L is on the minus strand). VCF-style: chr7-93135253-C-G. GRCh37 (hg19) VCF-style: chr7-92764566-C-G.
Other names: c.719G>C, p.Gly240Ala (NM_001303496.3, NM_001303497.3, NM_001303498.3 and 5 more transcripts); short protein forms G240A.
Identifiers: ClinVar variation 3949964 (VCV003949964.1).